The following is an entry in ClinVar:

ClinVar aggregate classification (germline): Uncertain significance (1 of 4 stars; one submission).

Conditions:
AHDC1-related intellectual disability - obstructive sleep apnea - mild dysmorphism syndrome. Also called: Xia-Gibbs syndrome. Identifiers: Orphanet 412069, MedGen C4014419, MONDO:0014358, OMIM 615829.

Submission:

Neuberg Centre For Genomic Medicine, NCGM
Classification: Uncertain significance for AHDC1-related intellectual disability - obstructive sleep apnea - mild dysmorphism syndrome. Last evaluated: 2023-06-22. Review status: criteria provided, single submitter. Criteria: ACMG Guidelines, 2015. Collection method: clinical testing. Allele origin: germline. Inheritance: Autosomal dominant inheritance. Affected: yes.
Comment: The missense variant c.1481A>G(p.Lys494Arg) in AHDC1 gene has not been reported previously as a pathogenic variant nor as a benign variant, to our knowledge. The observed variant is absent in gnomAD exomes database. This variant has not been submitted to the ClinVar database. Multiple lines of computational evidence (Polyphen - probably damaging, SIFT - damaging and MutationTaster - disease causing) predict a damaging effect on protein structure and function for this variant. The reference amino acid change p.Lys494Arg in AHDC1 is predicted as conserved by GERP++ and PhyloP across 100 vertebrates. The amino acid Lys at position 494 is changed to a Arg changing protein sequence and it might alter its composition and physico-chemical properties. For these reasons, this variant has been classified as Uncertain Significance (VUS).

NM_001371928.1(AHDC1):c.1481A>G (p.Lys494Arg)

Gene: AHDC1 (AT-hook DNA binding motif containing 1; minus strand). Cytogenetic location: 1p36.11.
Variant type: single nucleotide variant.
Coding change: c.1481A>G on transcript NM_001371928.1 (MANE Select); coding-DNA position 1481, A replaced by G.
Protein change: p.Lys494Arg; replaces lysine 494 with arginine.
Molecular consequence: missense variant.
Genome position (GRCh38, 1-based): chr1:27,550,635, T>C on the plus strand (A>G on the coding strand, the complement: AHDC1 is on the minus strand). VCF-style: chr1-27550635-T-C. GRCh37 (hg19) VCF-style: chr1-27877146-T-C.
Other names: c.1481A>G, p.Lys494Arg (NM_001029882.3); short protein forms K494R.
Identifiers: ClinVar variation 3377621 (VCV003377621.1).